The following is an entry in ClinVar:

NM_006329.4(FBLN5):c.1042A>C (p.Ile348Leu)

Gene: FBLN5 (fibulin 5; minus strand). Cytogenetic location: 14q32.12.
Variant type: single nucleotide variant.
Coding change: c.1042A>C on transcript NM_006329.4 (MANE Select); coding-DNA position 1042, A replaced by C.
Protein change: p.Ile348Leu; replaces isoleucine 348 with leucine.
Molecular consequence: missense variant.
Genome position (GRCh38, 1-based): chr14:91,877,630, T>G on the plus strand (A>C on the coding strand, the complement: FBLN5 is on the minus strand). VCF-style: chr14-91877630-T-G. GRCh37 (hg19) VCF-style: chr14-92343974-T-G.
Other names: c.1165A>C, p.Ile389Leu (NM_001384158.1); c.1093A>C, p.Ile365Leu (NM_001384159.1); c.1042A>C, p.Ile348Leu (NM_001384160.1); c.874A>C, p.Ile292Leu (NM_001384161.1, NM_001384162.1); short protein forms I292L, I348L, I365L, I389L.
Identifiers: ClinVar variation 1974303 (VCV001974303.5), dbSNP rs1456622933, ClinGen allele CA390640939.
Genomic context (GRCh38, chr14:91,877,630, plus strand): 5'-TTTGGAAGATGTCAGCGGGAACGGAGCGTCCTGACACCACGTCCATGTCCCGGTACAAGA[T>G]GGTAAAGGGCTGGTCTCTGCAGCCAGGGTTCTCAGCAGGACACATACAGCGGCTGTGGAA-3'
Protein context (NP_006320.2, residues 338-358): NPGCRDQPFT[Ile348Leu]LYRDMDVVSG

ClinVar aggregate classification (germline): Uncertain significance (1 of 4 stars; one submission).

Allele frequency attached by ClinVar (database versions not stated): gnomAD exomes 0.00001; TOPMed 0.00001.
gnomAD v4.1: 16 of 1,613,850 alleles (0.00099%); highest among the groups gnomAD compares: Non-Finnish European, 0.0014%; no homozygotes.

Submission:

Labcorp Genetics (formerly Invitae), Labcorp
Classification: Uncertain significance. Last evaluated: 2022-10-13. Review status: criteria provided, single submitter. Criteria: Invitae Variant Classification Sherloc (09022015). Collection method: clinical testing. Allele origin: germline.
Comment: This variant has not been reported in the literature in individuals affected with FBLN5-related conditions. This variant is present in population databases (no rsID available, gnomAD 0.0009%). This sequence change replaces isoleucine, which is neutral and non-polar, with leucine, which is neutral and non-polar, at codon 348 of the FBLN5 protein (p.Ile348Leu). Advanced modeling of protein sequence and biophysical properties (such as structural, functional, and spatial information, amino acid conservation, physicochemical variation, residue mobility, and thermodynamic stability) performed at Invitae indicates that this missense variant is not expected to disrupt FBLN5 protein function. In summary, the available evidence is currently insufficient to determine the role of this variant in disease. Therefore, it has been classified as a Variant of Uncertain Significance.